The following is an entry in ClinVar:

ClinVar aggregate classification (germline): Pathogenic/Likely pathogenic. Review status: criteria provided, multiple submitters, no conflicts (2 of 4 stars). 8 submissions from 7 submitters: Pathogenic (6); Likely pathogenic (1). 1 of the submissions does not count toward it. Last evaluated 2026-02-03.

Conditions:
Fanconi anemia complementation group O. Also called: RAD51C-Related Fanconi Anemia. Identifiers: Orphanet 84, MedGen C3150653, MONDO:0013248, OMIM 613390.
Breast-ovarian cancer, familial, susceptibility to, 3. Also called: RAD51C-Related Breast/Ovarian Cancer. Identifiers: Orphanet 145, MedGen C3150659, MONDO:0013253, OMIM 613399.
Hereditary cancer-predisposing syndrome. Also called: Tumor predisposition; Neoplastic Syndromes, Hereditary; Hereditary Cancer Syndrome; Hereditary neoplastic syndrome. Identifiers: Orphanet 140162, MedGen C0027672, MeSH D009386, MONDO:0015356.
Hereditary breast ovarian cancer syndrome. Also called: Hereditary breast and ovarian cancer; Hereditary breast and ovarian cancer syndrome (HBOC); Breast and ovarian cancer; Hereditary breast and/or ovarian cancer syndrome; BRCA1- and BRCA2-Associated Hereditary Breast and Ovarian Cancer; Hereditary breast and ovarian cancer syndrome. Identifiers: Orphanet 145, MedGen C0677776, MeSH D061325, MONDO:0003582. Disease mechanism: loss of function.

Submissions (8):

Labcorp Genetics (formerly Invitae), Labcorp
Classification: Pathogenic for Fanconi anemia complementation group O. Last evaluated: 2026-02-03. Review status: criteria provided, single submitter. Criteria: Invitae Variant Classification Sherloc (09022015). Collection method: clinical testing. Allele origin: germline.
Comment: This sequence change creates a premature translational stop signal (p.Glu218Valfs*33) in the RAD51C gene. It is expected to result in an absent or disrupted protein product. Loss-of-function variants in RAD51C are known to be pathogenic (PMID: 20400964, 21990120, 24800917, 29278735). This variant is not present in population databases (gnomAD no frequency). This premature translational stop signal has been observed in individual(s) with ovarian cancer (PMID: 26261251). For these reasons, this variant has been classified as Pathogenic.

Women's Health and Genetics/Laboratory Corporation of America, LabCorp
Classification: Pathogenic for Hereditary breast ovarian cancer syndrome. Last evaluated: 2024-09-03. Review status: criteria provided, single submitter. Criteria: LabCorp Variant Classification Summary - May 2015. Collection method: clinical testing. Allele origin: germline.
Comment: Variant summary: RAD51C c.653_654delAG (p.Glu218ValfsX33) results in a premature termination codon, predicted to cause a truncation of the encoded protein or absence of the protein due to nonsense mediated decay, which are commonly known mechanisms for disease. The frequency data for this variant in gnomAD is considered unreliable, as metrics indicate poor data quality at this position. c.653_654delAG has been reported in the literature in individuals affected with Hereditary Cancer Syndrome (LaDuca_2014). To our knowledge, no experimental evidence demonstrating an impact on protein function has been reported. The following publication have been ascertained in the context of this evaluation (PMID: 24763289). ClinVar contains an entry for this variant (Variation ID: 186604). Based on the evidence outlined above, the variant was classified as pathogenic.

Myriad Genetics, Inc.
Classification: Pathogenic for Breast-ovarian cancer, familial, susceptibility to, 3. Last evaluated: 2024-01-03. Review status: criteria provided, single submitter. Criteria: Myriad Autosomal Dominant, Autosomal Recessive and X-Linked Classification Criteria (2023). Collection method: clinical testing. Allele origin: unknown.
Comment: This variant is considered pathogenic. This variant creates a frameshift predicted to result in premature protein truncation.

Ambry Genetics
Classification: Pathogenic for Hereditary cancer-predisposing syndrome. Last evaluated: 2022-02-08. Review status: criteria provided, single submitter. Criteria: Ambry Variant Classification Scheme 2023. Collection method: clinical testing. Allele origin: germline.
Comment: The c.653_654delAG pathogenic mutation, located in coding exon 4 of the RAD51C gene, results from a deletion of two nucleotides between nucleotide positions 653 and 654, causing a translational frameshift with a predicted alternate stop codon (p.E218Vfs*33). This alteration has been observed in multiple individuals and families with high risk breast and ovarian cancer (Song H et al. J. Clin. Oncol. 2015 Sep;33(26):2901-7; Maxwell KN et al. Am. J. Hum. Genet. 2016 May;98:801-817; Suszynska M et al. J Ovarian Res, 2020 May;13:50). In addition, this mutation is also designated as 651_652delAG in published literature. This variant is considered to be rare based on population cohorts in the Genome Aggregation Database (gnomAD). In addition to the clinical data presented in the literature, this alteration is expected to result in loss of function by premature protein truncation or nonsense-mediated mRNA decay. As such, this alteration is interpreted as a disease-causing mutation.

Baylor Genetics
Classification: Pathogenic for Breast-ovarian cancer, familial, susceptibility to, 3. Last evaluated: 2022-01-10. Review status: criteria provided, single submitter. Criteria: ACMG Guidelines, 2015. Collection method: clinical testing. Allele origin: unknown.

Fulgent Genetics
Classification: Pathogenic for Fanconi anemia complementation group O; Breast-ovarian cancer, familial, susceptibility to, 3. Last evaluated: 2021-08-09. Review status: criteria provided, single submitter. Criteria: ACMG Guidelines, 2015. Collection method: clinical testing. Allele origin: unknown.

CeGaT Center for Human Genetics Tuebingen
Classification: Likely pathogenic. Last evaluated: 2016-05-01. Review status: criteria provided, single submitter. Criteria: CeGaT Center For Human Genetics Tuebingen Variant Classification Criteria Version 2. Collection method: clinical testing. Allele origin: germline. Affected: yes. Observed: 1 variant allele.

Ambry Genetics
Classification: Pathogenic for Neoplastic Syndromes, Hereditary. Last evaluated: 2013-02-04. Review status: flagged submission. Criteria: Ambry Autosomal Dominant and X-Linked criteria (9/4/14). Collection method: clinical testing. Allele origin: germline. Not counted in ClinVar's aggregate classification.
ClinVar note: Reason: This record appears to be redundant with a more recent record from the same submitter.
ClinVar note: Notes: SCV000186089 appears to be redundant with SCV000217002.

Literature cited by the submitters: PubMed 20400964 (cited by Labcorp Genetics (formerly Invitae), Labcorp); PubMed 21990120 (cited by Labcorp Genetics (formerly Invitae), Labcorp); PubMed 24800917 (cited by Labcorp Genetics (formerly Invitae), Labcorp); PubMed 29278735 (cited by Labcorp Genetics (formerly Invitae), Labcorp); PubMed 26261251 (cited by Labcorp Genetics (formerly Invitae), Labcorp and Ambry Genetics); PubMed 24763289 (cited by Women's Health and Genetics/Laboratory Corporation of America, LabCorp); PubMed 27153395 (cited by Ambry Genetics); PubMed 32359370 (cited by Ambry Genetics).

NM_058216.3(RAD51C):c.653_654del (p.Glu218fs)

Genes: RAD51C (RAD51 paralog C; plus strand), LOC129390903 (MPRA-validated peak2919 silencer; plus strand). Cytogenetic location: 17q22.
Variant type: Microsatellite.
Coding change: c.653_654del on transcript NM_058216.3 (MANE Select); coding-DNA positions 653 to 654, 2 bases deleted (AG; older notation c.653_654delAG).
Protein change: p.Glu218fs; shifts the reading frame from glutamic acid 218.
Molecular consequence: frameshift variant. On other transcripts: non-coding transcript variant (1).
Genome position (GRCh38, 1-based): chr17:58,703,277-58,703,278, AG deleted; deleting any 2 consecutive bases within chr17:58,703,275-58,703,278 gives the same sequence; the c. name uses the placement nearest the transcript's 3' end. VCF-style (leftmost placement, unchanged base first): chr17-58703274-CAG-C. GRCh37 (hg19) VCF-style: chr17-56780635-CAG-C.
Other names: c.653_654delAG (NM_058216.3); short protein forms E218fs.
Identifiers: ClinVar variation 186604 (VCV000186604.54), dbSNP rs587782286, ClinGen allele CA167675.
Genomic context (GRCh38, chr17:58,703,274, plus strand): 5'-AGGATTTCACTCTTGATAATATTCTTTCTCATATTTATTATTTTCGCTGTCGTGACTACA[CAG>C]AGTTACTGGCACAAGTTTATCTTCTTCCAGATTTCCTTTCAGAACACTCAAAGGTATGAG-3'